The following is an entry in ClinVar:

NM_004239.4(TRIP11):c.1580G>A (p.Ser527Asn)

Gene: TRIP11 (thyroid hormone receptor interactor 11; minus strand). Cytogenetic location: 14q32.12.
Variant type: single nucleotide variant.
Coding change: c.1580G>A on transcript NM_004239.4 (MANE Select); coding-DNA position 1580, G replaced by A.
Protein change: p.Ser527Asn; replaces serine 527 with asparagine.
Molecular consequence: missense variant.
Genome position (GRCh38, 1-based): chr14:92,006,396, C>T on the plus strand (G>A on the coding strand, the complement: TRIP11 is on the minus strand). VCF-style: chr14-92006396-C-T. GRCh37 (hg19) VCF-style: chr14-92472740-C-T.
Other names: c.1577G>A, p.Ser526Asn (NM_001321851.1); short protein forms S526N, S527N.
Identifiers: ClinVar variation 2907693 (VCV002907693.3), dbSNP rs764357693, ClinGen allele CA7313900.

ClinVar aggregate classification (germline): Uncertain significance (1 of 4 stars; one submission).

Conditions:
Achondrogenesis, type IA (ACG1A). Identifiers: Orphanet 932, Orphanet 93299, MedGen C0265273, MONDO:0008701, OMIM 200600.

Allele frequency attached by ClinVar (database versions not stated): TOPMed below 0.00001; gnomAD 0.00001; ExAC 0.00003.
gnomAD v4.1: 16 of 1,612,866 alleles (0.00099%); highest among the groups gnomAD compares: South Asian, 0.015%; no homozygotes.

Submission:

Labcorp Genetics (formerly Invitae), Labcorp
Classification: Uncertain significance for Achondrogenesis, type IA. Last evaluated: 2024-10-30. Review status: criteria provided, single submitter. Criteria: Invitae Variant Classification Sherloc (09022015). Collection method: clinical testing. Allele origin: germline.
Comment: This sequence change replaces serine, which is neutral and polar, with asparagine, which is neutral and polar, at codon 527 of the TRIP11 protein (p.Ser527Asn). This variant is present in population databases (rs764357693, gnomAD 0.02%). This variant has not been reported in the literature in individuals affected with TRIP11-related conditions. ClinVar contains an entry for this variant (Variation ID: 2907693). Invitae Evidence Modeling of protein sequence and biophysical properties (such as structural, functional, and spatial information, amino acid conservation, physicochemical variation, residue mobility, and thermodynamic stability) indicates that this missense variant is not expected to disrupt TRIP11 protein function with a negative predictive value of 80%. In summary, the available evidence is currently insufficient to determine the role of this variant in disease. Therefore, it has been classified as a Variant of Uncertain Significance.